The following is an entry in ClinVar:

ClinVar aggregate classification (germline): Uncertain significance. Review status: criteria provided, multiple submitters, no conflicts (2 of 4 stars). 3 submissions from 3 submitters: Uncertain significance (2). 1 of the submissions does not count toward it. Last evaluated 2024-10-22.

Conditions:
Cardiovascular phenotype. Identifiers: MedGen CN230736.
ABCG8-related disorder. Also called: ABCG8-related condition.

Allele frequency attached by ClinVar (database versions not stated): gnomAD 0.00001; TOPMed 0.00003.
gnomAD v4.1: 17 of 1,613,928 alleles (0.0011%); highest among the groups gnomAD compares: Admixed American, 0.0017%; no homozygotes.

Submissions (3):

Labcorp Genetics (formerly Invitae), Labcorp
Classification: Uncertain significance. Last evaluated: 2024-10-22. Review status: criteria provided, single submitter. Criteria: Invitae Variant Classification Sherloc (09022015). Collection method: clinical testing. Allele origin: germline.
Comment: This sequence change replaces arginine, which is basic and polar, with cysteine, which is neutral and slightly polar, at codon 330 of the ABCG8 protein (p.Arg330Cys). This variant is present in population databases (no rsID available, gnomAD 0.0009%). This variant has not been reported in the literature in individuals affected with ABCG8-related conditions. ClinVar contains an entry for this variant (Variation ID: 2624681). Invitae Evidence Modeling of protein sequence and biophysical properties (such as structural, functional, and spatial information, amino acid conservation, physicochemical variation, residue mobility, and thermodynamic stability) has been performed for this missense variant. However, the output from this modeling did not meet the statistical confidence thresholds required to predict the impact of this variant on ABCG8 protein function. In summary, the available evidence is currently insufficient to determine the role of this variant in disease. Therefore, it has been classified as a Variant of Uncertain Significance.

Ambry Genetics
Classification: Uncertain significance for Cardiovascular phenotype. Last evaluated: 2023-08-11. Review status: criteria provided, single submitter. Criteria: Ambry Variant Classification Scheme 2023. Collection method: clinical testing. Allele origin: germline.
Comment: The p.R330C variant (also known as c.988C>T), located in coding exon 7 of the ABCG8 gene, results from a C to T substitution at nucleotide position 988. The arginine at codon 330 is replaced by cysteine, an amino acid with highly dissimilar properties. This amino acid position is conserved. In addition, this alteration is predicted to be tolerated by in silico analysis. Since supporting evidence is limited at this time, the clinical significance of this alteration remains unclear.

PreventionGenetics, part of Exact Sciences
Classification: Uncertain significance for ABCG8-related condition. Last evaluated: 2023-12-26. Review status: no assertion criteria provided. Collection method: clinical testing. Allele origin: germline. Not counted in ClinVar's aggregate classification.
Comment: The ABCG8 c.988C>T variant is predicted to result in the amino acid substitution p.Arg330Cys. To our knowledge, this variant has not been reported in the literature. This variant is reported in 0.00088% of alleles in individuals of European (Non-Finnish) descent in gnomAD. At this time, the clinical significance of this variant is uncertain due to the absence of conclusive functional and genetic evidence.

NM_022437.3(ABCG8):c.988C>T (p.Arg330Cys)

Gene: ABCG8 (ATP binding cassette subfamily G member 8; plus strand). Cytogenetic location: 2p21.
Variant type: single nucleotide variant.
Coding change: c.988C>T on transcript NM_022437.3 (MANE Select); coding-DNA position 988, C replaced by T.
Protein change: p.Arg330Cys; replaces arginine 330 with cysteine.
Molecular consequence: missense variant.
Genome position (GRCh38, 1-based): chr2:43,871,999, C>T. VCF-style: chr2-43871999-C-T. GRCh37 (hg19) VCF-style: chr2-44099138-C-T.
Other names: c.988C>T, p.Arg330Cys (NM_001357321.2); short protein forms R330C.
Identifiers: ClinVar variation 2624681 (VCV002624681.6), dbSNP rs912945197, ClinGen allele CA46464983.